The following is an entry in ClinVar:

NM_001256789.3(CACNA1F):c.3089+3G>C

Gene: CACNA1F (calcium voltage-gated channel subunit alpha1 F; minus strand). Cytogenetic location: Xp11.23.
Variant type: single nucleotide variant.
Coding change: c.3089+3G>C on transcript NM_001256789.3 (MANE Select); 3 bases into the intron after coding-DNA position 3089, G replaced by C.
Molecular consequence: intron variant.
Genome position (GRCh38, 1-based): chrX:49,217,752, C>G on the plus strand (G>C on the coding strand, the complement: CACNA1F is on the minus strand). VCF-style: chrX-49217752-C-G. GRCh37 (hg19) VCF-style: chrX-49074211-C-G.
Other names: c.3122+3G>C (NM_005183.4, NM_005183.3); c.2927+3G>C (NM_001256790.3).
Identifiers: ClinVar variation 1008562 (VCV001008562.8), dbSNP rs781847250, ClinGen allele CA10410543.

ClinVar aggregate classification (germline): Uncertain significance. Review status: criteria provided, multiple submitters, no conflicts (2 of 4 stars). 3 submissions from 3 submitters: Uncertain significance (3). Last evaluated 2026-06-23.

Conditions:
CACNA1F-related disorder. Also called: CACNA1F-related condition.

Allele frequency attached by ClinVar (database versions not stated): gnomAD exomes below 0.00001 and 0.00001; ExAC 0.00002; gnomAD 0.00007 and 0.00008; TOPMed 0.00009.
gnomAD v4.1: 13 of 1,204,705 alleles (0.0011%); highest among the groups gnomAD compares: African/African-American, 0.023%; no homozygotes.

Submissions (3):

PreventionGenetics, part of Exact Sciences
Classification: Uncertain significance for CACNA1F-related condition. Last evaluated: 2026-06-23. Review status: criteria provided, single submitter. Criteria: ACMG Guidelines, 2015. Collection method: clinical testing. Allele origin: germline.
Comment: The CACNA1F c.3122+3G>C variant is predicted to interfere with splicing. This variant is predicted to impact splicing based on one available splicing algorithm (SpliceAI, Jaganathan et al. 2019. PubMed ID: 30661751). To our knowledge, this variant has not been reported in the literature. This variant is reported in 0.021% of alleles in individuals of African descent in gnomAD, including 5 hemizygotes in the most recent version of the database (v4.1), which may be too frequent to be a primary cause of disease. Although we suspect that this variant may be benign, at this time, the clinical significance of this variant is uncertain due to the absence of conclusive functional and genetic evidence.

Labcorp Genetics (formerly Invitae), Labcorp
Classification: Uncertain significance. Last evaluated: 2025-07-03. Review status: criteria provided, single submitter. Criteria: Invitae Variant Classification Sherloc (09022015). Collection method: clinical testing. Allele origin: germline.
Comment: This sequence change falls in intron 26 of the CACNA1F gene. It does not directly change the encoded amino acid sequence of the CACNA1F protein. It affects a nucleotide within the consensus splice site. This variant is present in population databases (rs781847250, gnomAD 0.02%). This variant has not been reported in the literature in individuals affected with CACNA1F-related conditions. ClinVar contains an entry for this variant (Variation ID: 1008562). Variants that disrupt the consensus splice site are a relatively common cause of aberrant splicing (PMID: 17576681, 9536098). Algorithms developed to predict the effect of sequence changes on RNA splicing suggest that this variant may disrupt the consensus splice site. In summary, the available evidence is currently insufficient to determine the role of this variant in disease. Therefore, it has been classified as a Variant of Uncertain Significance.

Blueprint Genetics
Classification: Uncertain significance. Last evaluated: 2019-10-17. Review status: criteria provided, single submitter. Criteria: ACMG Guidelines, 2015. Collection method: clinical testing. Allele origin: germline.

Literature cited by the submitters: PubMed 17576681 (cited by Labcorp Genetics (formerly Invitae), Labcorp); PubMed 9536098 (cited by Labcorp Genetics (formerly Invitae), Labcorp).